The following is an entry in ClinVar:

ClinVar aggregate classification (germline): Uncertain significance (1 of 4 stars; one submission).

Conditions:
Hereditary cancer-predisposing syndrome. Also called: Neoplastic Syndromes, Hereditary; Tumor predisposition; Hereditary neoplastic syndrome; Hereditary Cancer Syndrome. Identifiers: Orphanet 140162, MedGen C0027672, MeSH D009386, MONDO:0015356.

Submission:

Ambry Genetics
Classification: Uncertain significance for Hereditary cancer-predisposing syndrome. Last evaluated: 2023-02-16. Review status: criteria provided, single submitter. Criteria: Ambry Variant Classification Scheme 2023. Collection method: clinical testing. Allele origin: germline.
Comment: The p.L1110H variant (also known as c.3329T>A), located in coding exon 27 of the POLE gene, results from a T to A substitution at nucleotide position 3329. The leucine at codon 1110 is replaced by histidine, an amino acid with similar properties. This amino acid position is conserved. In addition, the in silico prediction for this alteration is inconclusive. Since supporting evidence is limited at this time, the clinical significance of this alteration remains unclear.

NM_006231.4(POLE):c.3329T>A (p.Leu1110His)

Gene: POLE (DNA polymerase epsilon, catalytic subunit; minus strand). Cytogenetic location: 12q24.33.
Variant type: single nucleotide variant.
Coding change: c.3329T>A on transcript NM_006231.4 (MANE Select); coding-DNA position 3329, T replaced by A.
Protein change: p.Leu1110His; replaces leucine 1110 with histidine.
Molecular consequence: missense variant.
Genome position (GRCh38, 1-based): chr12:132,657,917, A>T on the plus strand (T>A on the coding strand, the complement: POLE is on the minus strand). VCF-style: chr12-132657917-A-T. GRCh37 (hg19) VCF-style: chr12-133234503-A-T.
Other names: short protein forms L1110H.
Identifiers: ClinVar variation 3225438 (VCV003225438.1), dbSNP rs2138663272, ClinGen allele CA387389677.